The following is an entry in ClinVar:

NM_177438.3(DICER1):c.4549G>A (p.Ala1517Thr)

Gene: DICER1 (dicer 1, ribonuclease III; minus strand). Cytogenetic location: 14q32.13.
Variant type: single nucleotide variant.
Coding change: c.4549G>A on transcript NM_177438.3 (MANE Select); coding-DNA position 4549, G replaced by A.
Protein change: p.Ala1517Thr; replaces alanine 1517 with threonine.
Molecular consequence: missense variant.
Genome position (GRCh38, 1-based): chr14:95,096,371, C>T on the plus strand (G>A on the coding strand, the complement: DICER1 is on the minus strand). VCF-style: chr14-95096371-C-T. GRCh37 (hg19) VCF-style: chr14-95562708-C-T.
Other names: c.4549G>A, p.Ala1517Thr (NM_001195573.1, NM_001271282.3, NM_001291628.2 and 1 more transcripts); short protein forms A1517T.
Identifiers: ClinVar variation 854253 (VCV000854253.13), dbSNP rs1890337255, ClinGen allele CA390867846.

ClinVar aggregate classification (germline): Uncertain significance. Review status: criteria provided, multiple submitters, no conflicts (2 of 4 stars). 2 submissions from 2 submitters: Uncertain significance (2). Last evaluated 2024-02-19.

Conditions:
Hereditary cancer-predisposing syndrome. Also called: Neoplastic Syndromes, Hereditary; Hereditary Cancer Syndrome; Hereditary neoplastic syndrome; Tumor predisposition. Identifiers: Orphanet 140162, MedGen C0027672, MeSH D009386, MONDO:0015356.
DICER1-related tumor predisposition. Also called: DICER1 syndrome; DICER1-related pleuropulmonary blastoma cancer predisposition syndrome. Identifiers: Orphanet 284343, MedGen C3839822, MONDO:0100216.

Allele frequency attached by ClinVar (database versions not stated): gnomAD exomes below 0.00001.
gnomAD v4.1: 1 of 1,614,202 alleles (0.000062%); highest among the groups gnomAD compares: Non-Finnish European, 0.000085%; no homozygotes.

Submissions (2):

Labcorp Genetics (formerly Invitae), Labcorp
Classification: Uncertain significance for DICER1-related tumor predisposition. Last evaluated: 2024-02-19. Review status: criteria provided, single submitter. Criteria: Invitae Variant Classification Sherloc (09022015). Collection method: clinical testing. Allele origin: germline.
Comment: This sequence change replaces alanine, which is neutral and non-polar, with threonine, which is neutral and polar, at codon 1517 of the DICER1 protein (p.Ala1517Thr). This variant is not present in population databases (gnomAD no frequency). This variant has not been reported in the literature in individuals affected with DICER1-related conditions. ClinVar contains an entry for this variant (Variation ID: 854253). An algorithm developed to predict the effect of missense changes on protein structure and function (PolyPhen-2) suggests that this variant is likely to be disruptive. In summary, the available evidence is currently insufficient to determine the role of this variant in disease. Therefore, it has been classified as a Variant of Uncertain Significance.

Ambry Genetics
Classification: Uncertain significance for Hereditary cancer-predisposing syndrome. Last evaluated: 2021-03-01. Review status: criteria provided, single submitter. Criteria: Ambry Variant Classification Scheme 2023. Collection method: clinical testing. Allele origin: germline.
Comment: The p.A1517T variant (also known as c.4549G>A), located in coding exon 22 of the DICER1 gene, results from a G to A substitution at nucleotide position 4549. The alanine at codon 1517 is replaced by threonine, an amino acid with similar properties. This amino acid position is highly conserved in available vertebrate species. In addition, the in silico prediction for this alteration is inconclusive. Since supporting evidence is limited at this time, the clinical significance of this alteration remains unclear.